The following is an entry in ClinVar:

NM_002691.4(POLD1):c.1456_1458del (p.Lys486del)

Gene: POLD1 (DNA polymerase delta 1, catalytic subunit; plus strand). Cytogenetic location: 19q13.33.
Variant type: Deletion.
Coding change: c.1456_1458del on transcript NM_002691.4 (MANE Select); coding-DNA positions 1456 to 1458, 3 bases deleted (AAG; older notation c.1456_1458delAAG).
Protein change: p.Lys486del; deletes lysine 486.
Molecular consequence: inframe deletion. On other transcripts: non-coding transcript variant (1).
Genome position (GRCh38, 1-based): chr19:50,406,479-50,406,481, AAG deleted; deleting any 3 consecutive bases within chr19:50,406,477-50,406,481 gives the same sequence; the c. name uses the placement nearest the transcript's 3' end. VCF-style (leftmost placement, unchanged base first): chr19-50406476-CAGA-C. GRCh37 (hg19) VCF-style: chr19-50909733-CAGA-C.
Other names: c.1456_1458del, p.Lys486del (NM_001256849.1, NM_001308632.1); short protein forms K486del.
Identifiers: ClinVar variation 484348 (VCV000484348.13), dbSNP rs1555791207, ClinGen allele CA658658837.
Genomic context (GRCh38, chr19:50,406,476, plus strand): 5'-CGGGAGTACAAGCTCCGCTCCTACACGCTCAATGCCGTGAGCTTCCACTTCCTGGGCGAG[CAGA>C]AGGAGGACGTGCAGCACAGCATCATCACCGACCTGCAGGTGCCTGCTGCCTCCCTGACCT-3'

ClinVar aggregate classification (germline): Uncertain significance. Review status: criteria provided, multiple submitters, no conflicts (2 of 4 stars). 3 submissions from 3 submitters: Uncertain significance (3). Last evaluated 2026-01-13.

Conditions:
Familial colorectal cancer type X. Identifiers: Orphanet 440437, MedGen C3896578, MONDO:0018604.
Polymerase proofreading-related adenomatous polyposis. Also called: Polymerase proofreading associated polyposis; Polymerase proofreading–associated polyposis (PPAP). Identifiers: Orphanet 447877, MedGen C5202613, MONDO:0018653.
Hereditary cancer-predisposing syndrome. Also called: Tumor predisposition; Hereditary Cancer Syndrome; Hereditary neoplastic syndrome; Neoplastic Syndromes, Hereditary. Identifiers: Orphanet 140162, MedGen C0027672, MeSH D009386, MONDO:0015356.
POLD1-related polyposis and colorectal cancer syndrome (CRCS10). Also called: Colorectal cancer 10; COLORECTAL CANCER, SUSCEPTIBILITY TO, ON CHROMOSOME 19q; Colorectal cancer, susceptibility to, 10. Identifiers: Orphanet 220460, MedGen C2675481, MONDO:0012953, OMIM 612591.

Submissions (3):

Labcorp Genetics (formerly Invitae), Labcorp
Classification: Uncertain significance for POLD1-related polyposis and colorectal cancer syndrome. Last evaluated: 2026-01-13. Review status: criteria provided, single submitter. Criteria: Invitae Variant Classification Sherloc (09022015). Collection method: clinical testing. Allele origin: germline.
Comment: This variant, c.1456_1458del, results in the deletion of 1 amino acid(s) of the POLD1 protein (p.Lys486del), but otherwise preserves the integrity of the reading frame. This variant is not present in population databases (gnomAD no frequency). This variant has not been reported in the literature in individuals affected with POLD1-related conditions. ClinVar contains an entry for this variant (Variation ID: 484348). Experimental studies and prediction algorithms are not available or were not evaluated, and the functional significance of this variant is currently unknown. In summary, the available evidence is currently insufficient to determine the role of this variant in disease. Therefore, it has been classified as a Variant of Uncertain Significance.

Ambry Genetics
Classification: Uncertain significance for Hereditary cancer-predisposing syndrome. Last evaluated: 2025-09-10. Review status: criteria provided, single submitter. Criteria: Ambry Variant Classification Scheme 2023. Collection method: clinical testing. Allele origin: germline.
Comment: The c.1456_1458delAAG variant (also known as p.K486del) is located in coding exon 11 of the POLD1 gene. This variant results from an in-frame AAG deletion at nucleotide positions 1456 to 1458. This results in the in-frame deletion of a lysine at codon 486. This amino acid position is highly conserved in available vertebrate species. In addition, this variant is predicted to be deleterious by in silico analysis (Choi Y et al. PLoS ONE. 2012; 7(10):e46688). Based on the available evidence, the clinical significance of this variant remains unclear.

Department of Pathology and Laboratory Medicine, Sinai Health System
Classification: Uncertain significance for Polymerase proofreading-related adenomatous polyposis; Familial colorectal cancer type X. Last evaluated: 2022-10-18. Review status: criteria provided, single submitter. Criteria: ACMG Guidelines, 2015. Collection method: clinical testing. Allele origin: germline. Affected: yes.